The following is an entry in ClinVar:

ClinVar aggregate classification (germline): Uncertain significance. Review status: criteria provided, multiple submitters, no conflicts (2 of 4 stars). 2 submissions from 2 submitters: Uncertain significance (2). Last evaluated 2024-06-05.

Submissions (2):

GeneDx
Classification: Uncertain significance. Last evaluated: 2024-06-05. Review status: criteria provided, single submitter. Criteria: GeneDx Variant Classification Process June 2021. Collection method: clinical testing. Allele origin: germline. Affected: yes.
Comment: Not observed at significant frequency in large population cohorts (gnomAD); In silico analysis indicates that this variant does not alter splicing; Has not been previously published as pathogenic or benign to our knowledge

Labcorp Genetics (formerly Invitae), Labcorp
Classification: Uncertain significance. Last evaluated: 2021-01-09. Review status: criteria provided, single submitter. Criteria: Invitae Variant Classification Sherloc (09022015). Collection method: clinical testing. Allele origin: germline.
Comment: In summary, the available evidence is currently insufficient to determine the role of this variant in disease. Therefore, it has been classified as a Variant of Uncertain Significance. Nucleotide substitutions within the consensus splice site are a relatively common cause of aberrant splicing (PMID: 17576681, 9536098). Algorithms developed to predict the effect of sequence changes on RNA splicing suggest that this variant may disrupt the consensus splice site, but this prediction has not been confirmed by published transcriptional studies. This variant has not been reported in the literature in individuals with COL11A2-related conditions. This variant is not present in population databases (ExAC no frequency). This sequence change falls in intron 65 of the COL11A2 gene. It does not directly change the encoded amino acid sequence of the COL11A2 protein. It affects a nucleotide within the consensus splice site of the intron.

Literature cited by the submitters: PubMed 17576681 (cited by Labcorp Genetics (formerly Invitae), Labcorp); PubMed 9536098 (cited by Labcorp Genetics (formerly Invitae), Labcorp).

NM_080680.3(COL11A2):c.5070+5G>C

Gene: COL11A2 (collagen type XI alpha 2 chain; minus strand). Cytogenetic location: 6p21.32.
Variant type: single nucleotide variant.
Coding change: c.5070+5G>C on transcript NM_080680.3 (MANE Select); 5 bases into the intron after coding-DNA position 5070, G replaced by C.
Molecular consequence: intron variant.
Genome position (GRCh38, 1-based): chr6:33,164,262, C>G on the plus strand (G>C on the coding strand, the complement: COL11A2 is on the minus strand). VCF-style: chr6-33164262-C-G. GRCh37 (hg19) VCF-style: chr6-33132039-C-G.
Other names: c.4749+5G>C (NM_080679.3); c.4812+5G>C (NM_080681.3).
Identifiers: ClinVar variation 1402793 (VCV001402793.7), dbSNP rs1310527404, ClinGen allele CA566698790.